The following is an entry in ClinVar:

NM_001282933.2(ZNF341):c.1620C>T (p.Tyr540=)

Gene: ZNF341 (zinc finger protein 341; plus strand). Cytogenetic location: 20q11.22.
Variant type: single nucleotide variant.
Coding change: c.1620C>T on transcript NM_001282933.2 (MANE Select); coding-DNA position 1620, C replaced by T.
Protein change: p.Tyr540=; no amino-acid change (tyrosine 540 retained).
Molecular consequence: synonymous variant. On other transcripts: non-coding transcript variant (1).
Genome position (GRCh38, 1-based): chr20:33,770,290, C>T. VCF-style: chr20-33770290-C-T. GRCh37 (hg19) VCF-style: chr20-32358096-C-T.
Other names: c.1620C>T (NM_001282933.1); c.1350C>T, p.Tyr450= (NM_001282935.2); c.1599C>T, p.Tyr533= (NM_032819.5).
Identifiers: ClinVar variation 1612611 (VCV001612611.12), dbSNP rs75053547, ClinGen allele CA9819490.

ClinVar aggregate classification (germline): Benign. Review status: criteria provided, multiple submitters, no conflicts (2 of 4 stars). 3 submissions from 3 submitters: Benign (2). 1 of the submissions does not count toward it. Last evaluated 2026-02-05.

Conditions:
ZNF341-related disorder. Also called: ZNF341-related condition.

Allele frequency attached by ClinVar (database versions not stated): gnomAD exomes 0.00018 and 0.00041; ExAC 0.00057; ESP Exome Variant Server 0.00154; 1000 Genomes Project 0.00200; 1000 Genomes Project 30x 0.00203.
gnomAD v4.1: 473 of 1,346,072 alleles (0.035%); highest among the groups gnomAD compares: African/African-American, 0.59%; 1 homozygote.

Submissions (3):

Women's Health and Genetics/Laboratory Corporation of America, LabCorp
Classification: Benign. Last evaluated: 2026-02-05. Review status: criteria provided, single submitter. Criteria: LabCorp Variant Classification Summary - May 2015. Collection method: clinical testing. Allele origin: germline.
Comment: Variant summary: ZNF341 c.1599C>T (p.Tyr533Tyr) alters a conserved nucleotide located close to a canonical splice site and therefore could affect mRNA splicing, leading to a significantly altered protein sequence. Several computational tools predict a significant impact on normal splicing: Three predict the variant weakens a 5' donor site. However, these predictions have yet to be confirmed by functional studies. The variant allele was found at a frequency of 0.00041 in 248136 control chromosomes, predominantly at a frequency of 0.0051 within the African or African-American subpopulation in the gnomAD database. The observed variant frequency within African or African-American control individuals in the gnomAD database exceeds the estimated maximal expected allele frequency for disease-causing variants in ZNF341. To our knowledge, no occurrence of c.1599C>T in individuals affected with ZNF341-related conditions and no experimental evidence demonstrating its impact on protein function have been reported. ClinVar contains an entry for this variant (Variation ID: 1612611). Based on the evidence outlined above, the variant was classified as benign.

Labcorp Genetics (formerly Invitae), Labcorp
Classification: Benign. Last evaluated: 2026-01-06. Review status: criteria provided, single submitter. Criteria: Invitae Variant Classification Sherloc (09022015). Collection method: clinical testing. Allele origin: germline.

PreventionGenetics, part of Exact Sciences
Classification: Likely benign for ZNF341-related condition. Last evaluated: 2019-06-11. Review status: no assertion criteria provided. Collection method: clinical testing. Allele origin: germline. Not counted in ClinVar's aggregate classification.
Comment: This variant is classified as likely benign based on ACMG/AMP sequence variant interpretation guidelines (Richards et al. 2015 PMID: 25741868, with internal and published modifications).